The following is an entry in ClinVar:

ClinVar aggregate classification (germline): Pathogenic (1 of 4 stars; one submission).

Conditions:
Neurodevelopmental disorder with microcephaly, impaired language, and gait abnormalities. Identifiers: MedGen C5436783, MONDO:0100348, OMIM 619091.

gnomAD v4.1: 25 of 1,612,562 alleles (0.0016%); highest among the groups gnomAD compares: Non-Finnish European, 0.002%; no homozygotes.

Submission:

3billion
Classification: Pathogenic for Neurodevelopmental disorder with microcephaly, impaired language, and gait abnormalities. Last evaluated: 2026-01-11. Review status: criteria provided, single submitter. Criteria: ACMG Guidelines, 2015. Collection method: clinical testing. Allele origin: germline. Affected: yes.
Comment: The variant is observed at an extremely low frequency in the gnomAD v4.1.0 dataset (total allele frequency: 0.002%). Predicted Consequence/Location: Stop-gained (nonsense): predicted to result in a loss or disruption of normal protein function through nonsense-mediated decay (NMD) or protein truncation. Multiple pathogenic variants are reported downstream of the variant. The variant has been reported to be associated with NARS1-related disorder (PMID: 32738225). Therefore, this variant is classified as Pathogenic according to the recommendation of ACMG/AMP guideline.

Literature cited by the submitters: PubMed 32738225.

NM_004539.4(NARS1):c.268C>T (p.Arg90Ter)

Gene: NARS1 (asparaginyl-tRNA synthetase 1; minus strand). Cytogenetic location: 18q21.31.
Variant type: single nucleotide variant.
Coding change: c.268C>T on transcript NM_004539.4 (MANE Select); coding-DNA position 268, C replaced by T.
Protein change: p.Arg90Ter; replaces arginine 90 with a stop codon.
Molecular consequence: nonsense.
Genome position (GRCh38, 1-based): chr18:57,615,715, G>A on the plus strand (C>T on the coding strand, the complement: NARS1 is on the minus strand). VCF-style: chr18-57615715-G-A. GRCh37 (hg19) VCF-style: chr18-55282947-G-A.
Other names: short protein forms R90*.
Identifiers: ClinVar variation 4854037 (VCV004854037.1).